The following is an entry in ClinVar:

NM_139215.3(TAF15):c.1448G>A (p.Arg483Gln)

Gene: TAF15 (TATA-box binding protein associated factor 15; plus strand). Cytogenetic location: 17q12.
Variant type: single nucleotide variant.
Coding change: c.1448G>A on transcript NM_139215.3 (MANE Select); coding-DNA position 1448, G replaced by A.
Protein change: p.Arg483Gln; replaces arginine 483 with glutamine.
Molecular consequence: missense variant.
Genome position (GRCh38, 1-based): chr17:35,844,747, G>A. VCF-style: chr17-35844747-G-A. GRCh37 (hg19) VCF-style: chr17-34171751-G-A.
Other names: c.1439G>A, p.Arg480Gln (NM_003487.4); c.1448G>A (NM_139215.2); short protein forms R480Q, R483Q.
Identifiers: ClinVar variation 2206901 (VCV002206901.3), dbSNP rs758278376, ClinGen allele CA290041514.

ClinVar aggregate classification (germline): Uncertain significance. Review status: criteria provided, multiple submitters, no conflicts (2 of 4 stars). 2 submissions from 2 submitters: Uncertain significance (2). Last evaluated 2023-08-17.

Conditions:
TAF15-related disorder. Also called: TAF15-related condition.

Allele frequency attached by ClinVar (database versions not stated): gnomAD 0.00003; gnomAD exomes 0.00003; TOPMed 0.00003; ExAC 0.00004.
gnomAD v4.1: 49 of 1,611,322 alleles (0.003%); highest among the groups gnomAD compares: Non-Finnish European, 0.0023%; no homozygotes.

Submissions (2):

PreventionGenetics, part of Exact Sciences
Classification: Uncertain significance for TAF15-related condition. Last evaluated: 2023-08-17. Review status: criteria provided, single submitter. Criteria: ACMG Guidelines, 2015. Collection method: clinical testing. Allele origin: germline.
Comment: The TAF15 c.1448G>A variant is predicted to result in the amino acid substitution p.Arg483Gln. To our knowledge, this variant has not been reported in the literature. This variant is reported in 0.016% of alleles in individuals of European (Finnish) descent in gnomAD. At this time, the clinical significance of this variant is uncertain due to the absence of conclusive functional and genetic evidence.

Ambry Genetics
Classification: Uncertain significance. Last evaluated: 2022-05-18. Review status: criteria provided, single submitter. Criteria: Ambry Variant Classification Scheme 2023. Collection method: clinical testing. Allele origin: germline.